The following is an entry in ClinVar:

ClinVar aggregate classification (germline): Uncertain significance (1 of 4 stars; one submission).

Submission:

Ambry Genetics
Classification: Uncertain significance. Last evaluated: 2022-07-26. Review status: criteria provided, single submitter. Criteria: Ambry Variant Classification Scheme 2023. Collection method: clinical testing. Allele origin: germline.
Comment: The p.E878K variant (also known as c.2632G>A), located in coding exon 24 of the PRKDC gene, results from a G to A substitution at nucleotide position 2632. The glutamic acid at codon 878 is replaced by lysine, an amino acid with similar properties. This amino acid position is conserved. In addition, this alteration is predicted to be tolerated by in silico analysis. Since supporting evidence is limited at this time, the clinical significance of this alteration remains unclear.

NM_006904.7(PRKDC):c.2632G>A (p.Glu878Lys)

Gene: PRKDC (protein kinase, DNA-activated, catalytic subunit; minus strand). Cytogenetic location: 8q11.21.
Variant type: single nucleotide variant.
Coding change: c.2632G>A on transcript NM_006904.7 (MANE Select); coding-DNA position 2632, G replaced by A.
Protein change: p.Glu878Lys; replaces glutamic acid 878 with lysine.
Molecular consequence: missense variant.
Genome position (GRCh38, 1-based): chr8:47,914,050, C>T on the plus strand (G>A on the coding strand, the complement: PRKDC is on the minus strand). VCF-style: chr8-47914050-C-T. GRCh37 (hg19) VCF-style: chr8-48826610-C-T.
Other names: c.2632G>A, p.Glu878Lys (NM_001081640.2); short protein forms E878K.
Identifiers: ClinVar variation 1794072 (VCV001794072.2), dbSNP rs1319344777, ClinGen allele CA371159608.